The following is an entry in ClinVar:

ClinVar aggregate classification (germline): Uncertain significance. Review status: criteria provided, single submitter (1 of 4 stars). 2 submissions from 2 submitters: Uncertain significance (1). 1 of the submissions does not count toward it. Last evaluated 2023-06-01.

Conditions:
Microphthalmia, isolated, with coloboma 6 (MCOPCB6). Also called: MICROPHTHALMIA/COLOBOMA 6; Microphthalmia with coloboma 6, digenic; Microphthalmia with coloboma 6. Identifiers: Orphanet 98938, MedGen C3150968, MONDO:0013376, OMIM 613703.
Klippel-Feil syndrome 1, autosomal dominant (KFS1). Also called: CERVICAL VERTEBRAL FUSION, AUTOSOMAL DOMINANT. Identifiers: Orphanet 2345, MedGen C1861689, MONDO:0007306, OMIM 118100.
Leber congenital amaurosis 17 (LCA17). Identifiers: Orphanet 65, MedGen C3715164, MONDO:0014145, OMIM 615360.
Isolated microphthalmia 4. Identifiers: Orphanet 2542, MedGen C2751307, MONDO:0013130, OMIM 613094.

Allele frequency attached by ClinVar (database versions not stated): gnomAD exomes below 0.00001.

Submissions (2):

Labcorp Genetics (formerly Invitae), Labcorp
Classification: Uncertain significance for Isolated microphthalmia 4; Leber congenital amaurosis 17; Klippel-Feil syndrome 1, autosomal dominant; Microphthalmia, isolated, with coloboma 6. Last evaluated: 2023-06-01. Review status: criteria provided, single submitter. Criteria: Invitae Variant Classification Sherloc (09022015). Collection method: clinical testing. Allele origin: germline.
Comment: ClinVar contains an entry for this variant (Variation ID: 1050339). In summary, the available evidence is currently insufficient to determine the role of this variant in disease. Therefore, it has been classified as a Variant of Uncertain Significance. Advanced modeling of protein sequence and biophysical properties (such as structural, functional, and spatial information, amino acid conservation, physicochemical variation, residue mobility, and thermodynamic stability) performed at Invitae indicates that this missense variant is not expected to disrupt GDF6 protein function. This variant has not been reported in the literature in individuals affected with GDF6-related conditions. This variant is present in population databases (no rsID available, gnomAD no frequency). This sequence change replaces threonine, which is neutral and polar, with isoleucine, which is neutral and non-polar, at codon 415 of the GDF6 protein (p.Thr415Ile).

Department of Pathology and Laboratory Medicine, Sinai Health System
Classification: Uncertain significance. Review status: no assertion criteria provided. Collection method: clinical testing. Allele origin: unknown. Affected: yes. Study: The Canadian Open Genetics Repository (COGR). Not counted in ClinVar's aggregate classification.
Comment: The GDF6 p.Thr415Ile variant was not identified in the literature nor was it identified in ClinVar. The variant was identified in dbSNP (ID: rs1269055850) and in control databases in 1 of 250888 chromosomes at a frequency of 0.000003986 (Genome Aggregation Database March 6, 2019, v2.1.1). The variant was observed in the Other population in 1 of 6120 chromosomes (freq: 0.000163), but was not observed in the African, Latino, Ashkenazi Jewish, East Asian, European (Finnish), European (non-Finnish), or South Asian populations. The p.Thr415 residue is conserved in mammals and computational analyses (PolyPhen-2, SIFT, AlignGVGD, BLOSUM, MutationTaster) provide inconsistent predictions regarding the impact to the protein; this information is not very predictive of pathogenicity. The variant occurs outside of the splicing consensus sequence and in silico or computational prediction software programs (SpliceSiteFinder, MaxEntScan, NNSPLICE, GeneSplicer) do not predict a difference in splicing. In summary, based on the above information the clinical significance of this variant cannot be determined with certainty at this time. This variant is classified as a variant of uncertain significance.

NM_001001557.4(GDF6):c.1244C>T (p.Thr415Ile)

Gene: GDF6 (growth differentiation factor 6; minus strand). Cytogenetic location: 8q22.1.
Variant type: single nucleotide variant.
Coding change: c.1244C>T on transcript NM_001001557.4 (MANE Select); coding-DNA position 1244, C replaced by T.
Protein change: p.Thr415Ile; replaces threonine 415 with isoleucine.
Molecular consequence: missense variant.
Genome position (GRCh38, 1-based): chr8:96,144,687, G>A on the plus strand (C>T on the coding strand, the complement: GDF6 is on the minus strand). VCF-style: chr8-96144687-G-A. GRCh37 (hg19) VCF-style: chr8-97156915-G-A.
Other names: short protein forms T415I.
Identifiers: ClinVar variation 1050339 (VCV001050339.9), dbSNP rs1269055850, ClinGen allele CA371749697.
Genomic context (GRCh38, chr8:96,144,687, plus strand): 5'-GCGTCGATGTATAGAATGCTGATGGGAGTCAATTTGGTGGGCACGCAGCAGCTGGGCGGG[G>A]TGGAGCCGGGGTCCATGGAGTTCATCAGCGTCTGGATGATGGCGTGGTTGGTGGGCTCCA-3'
Protein context (NP_001001557.1, residues 405-425): TLMNSMDPGS[Thr415Ile]PPSCCVPTKL